The following is an entry in ClinVar:

ClinVar aggregate classification (germline): Benign/Likely benign. Review status: criteria provided, multiple submitters, no conflicts (2 of 4 stars). 3 submissions from 3 submitters: Benign (1); Likely benign (2). Last evaluated 2025-06-03.

Conditions:
Hereditary cancer-predisposing syndrome. Also called: Hereditary neoplastic syndrome; Hereditary Cancer Syndrome; Neoplastic Syndromes, Hereditary; Tumor predisposition. Identifiers: Orphanet 140162, MedGen C0027672, MeSH D009386, MONDO:0015356.
Oligodontia-cancer predisposition syndrome. Also called: TOOTH AGENESIS-COLORECTAL CANCER SYNDROME. Identifiers: Orphanet 300576, MedGen C1837750, MONDO:0012075, OMIM 608615. Disease mechanism: loss of function.

Allele frequency attached by ClinVar (database versions not stated): gnomAD exomes below 0.00001.
gnomAD v4.1: 3 of 1,614,066 alleles (0.00019%); highest among the groups gnomAD compares: Non-Finnish European, 0.00025%; no homozygotes.

Submissions (3):

Labcorp Genetics (formerly Invitae), Labcorp
Classification: Likely benign for Oligodontia-cancer predisposition syndrome. Last evaluated: 2025-06-03. Review status: criteria provided, single submitter. Criteria: Invitae Variant Classification Sherloc (09022015). Collection method: clinical testing. Allele origin: germline.

Myriad Genetics, Inc.
Classification: Benign for Oligodontia-cancer predisposition syndrome. Last evaluated: 2024-07-10. Review status: criteria provided, single submitter. Criteria: Myriad Autosomal Dominant, Autosomal Recessive and X-Linked Classification Criteria (2023). Collection method: clinical testing. Allele origin: unknown.
Comment: This variant is considered benign. This variant is a silent/synonymous amino acid change and it is not expected to impact splicing.

Ambry Genetics
Classification: Likely benign for Hereditary cancer-predisposing syndrome. Last evaluated: 2023-04-28. Review status: criteria provided, single submitter. Criteria: Ambry Variant Classification Scheme 2023. Collection method: clinical testing. Allele origin: germline.

NM_004655.4(AXIN2):c.2205A>G (p.Thr735=)

Gene: AXIN2 (axin 2; minus strand). Cytogenetic location: 17q24.1.
Variant type: single nucleotide variant.
Coding change: c.2205A>G on transcript NM_004655.4 (MANE Select); coding-DNA position 2205, A replaced by G.
Protein change: p.Thr735=; no amino-acid change (threonine 735 retained).
Molecular consequence: synonymous variant.
Genome position (GRCh38, 1-based): chr17:65,535,658, T>C on the plus strand (A>G on the coding strand, the complement: AXIN2 is on the minus strand). VCF-style: chr17-65535658-T-C. GRCh37 (hg19) VCF-style: chr17-63531776-T-C.
Other names: c.2010A>G, p.Thr670= (NM_001363813.1); c.2205A>G (NM_004655.3).
Identifiers: ClinVar variation 1116937 (VCV001116937.11), dbSNP rs1598095782, ClinGen allele CA501476078.